The following is an entry in ClinVar:

NM_018406.7(MUC4):c.15969G>A (p.Pro5323=)

Gene: MUC4 (mucin 4, cell surface associated). Cytogenetic location: 3q29.
Variant type: single nucleotide variant.
Coding change: c.15969G>A on transcript NM_018406.7 (MANE Select); coding-DNA position 15969, G replaced by A.
Protein change: p.Pro5323=; no amino-acid change (proline 5323 retained).
Molecular consequence: synonymous variant.
Genome position (GRCh38, 1-based): chr3:195,748,967, C>T on the plus strand (G>A on the coding strand, the complement: MUC4 is on the minus strand). VCF-style: chr3-195748967-C-T. GRCh37 (hg19) VCF-style: chr3-195475838-C-T.
Other names: c.21987G>A, p.Pro7329= (NM_001322468.1); c.3261G>A, p.Pro1087= (NM_004532.6); c.3108G>A, p.Pro1036= (NM_138297.5).
Identifiers: ClinVar variation 2654371 (VCV002654371.24), dbSNP rs147505566, ClinGen allele CA2767273.

ClinVar aggregate classification (germline): Likely benign (1 of 4 stars; one submission).

Allele frequency attached by ClinVar (database versions not stated): ESP Exome Variant Server 0.00038; 1000 Genomes Project 0.00040; 1000 Genomes Project 30x 0.00047; gnomAD exomes 0.00010; ExAC 0.00019; gnomAD 0.00029.
gnomAD v4.1: 193 of 1,608,766 alleles (0.012%); highest among the groups gnomAD compares: African/African-American, 0.059%; no homozygotes.

Submission:

CeGaT Center for Human Genetics Tuebingen
Classification: Likely benign. Last evaluated: 2025-11-01. Review status: criteria provided, single submitter. Criteria: CeGaT Center For Human Genetics Tuebingen Variant Classification Criteria Version 2. Collection method: clinical testing. Allele origin: germline. Affected: yes. Observed: 2 variant alleles.
Comment: MUC4: BP4, BP7